The following is an entry in ClinVar:

NM_001005273.3(CHD3):c.2854C>T (p.Gln952Ter)

Gene: CHD3 (chromodomain helicase DNA binding protein 3; plus strand). Cytogenetic location: 17p13.1.
Variant type: single nucleotide variant.
Coding change: c.2854C>T on transcript NM_001005273.3 (MANE Select); coding-DNA position 2854, C replaced by T.
Protein change: p.Gln952Ter; replaces glutamine 952 with a stop codon.
Molecular consequence: nonsense.
Genome position (GRCh38, 1-based): chr17:7,900,607, C>T. VCF-style: chr17-7900607-C-T. GRCh37 (hg19) VCF-style: chr17-7803925-C-T.
Other names: c.3031C>T, p.Gln1011Ter (NM_001437504.1, NM_001005271.3); c.3019C>T, p.Gln1007Ter (NM_001437507.1, NM_001437508.1, NM_001437509.1); c.2854C>T, p.Gln952Ter (NM_005852.4); short protein forms Q1007*, Q1011*, Q952*.
Identifiers: ClinVar variation 5018977 (VCV005018977.2).
Genomic context (GRCh38, chr17:7,900,607, plus strand): 5'-CTGGCTCTTAGCAACTTGGAGGGCTTCCTGGAGGAGTTTGCTGACATATCCAAAGAGGAC[C>T]AGATCAAGAAACTGCATGATTTGCTGGGGCCACACATGCTGCGGAGACTCAAGGCAGATG-3'

ClinVar aggregate classification (germline): Uncertain significance (1 of 4 stars; one submission).

Conditions:
Snijders Blok-Campeau syndrome. Also called: INTELLECTUAL DEVELOPMENTAL DISORDER WITH MACROCEPHALY, SPEECH DELAY, AND DYSMORPHIC FACIES. Identifiers: Orphanet 599082, MedGen C4748701, MONDO:0032600, OMIM 618205.

Submission:

Juno Genomics, Hangzhou Juno Genomics, Inc
Classification: Uncertain significance for Snijders Blok-Campeau syndrome. Review status: criteria provided, single submitter. Criteria: ACMG Guidelines, 2015. Collection method: clinical testing. Allele origin: germline.
Comment: Absent from controls (or at extremely low frequency if recessive) in Genome Aggregation Database.